The following is an entry in ClinVar:

NM_001330311.2(DVL1):c.1340-16C>T

Gene: DVL1 (dishevelled segment polarity protein 1; minus strand). Cytogenetic location: 1p36.33.
Variant type: single nucleotide variant.
Coding change: c.1340-16C>T on transcript NM_001330311.2 (MANE Select); 16 bases into the intron before coding-DNA position 1340, C replaced by T.
Molecular consequence: intron variant.
Genome position (GRCh38, 1-based): chr1:1,338,452, G>A on the plus strand (C>T on the coding strand, the complement: DVL1 is on the minus strand). VCF-style: chr1-1338452-G-A. GRCh37 (hg19) VCF-style: chr1-1273832-G-A.
Other names: c.1265-16C>T (NM_004421.3).
Identifiers: ClinVar variation 3017035 (VCV003017035.4), dbSNP rs773730913, ClinGen allele CA520114.

ClinVar aggregate classification (germline): Likely benign. Review status: criteria provided, multiple submitters, no conflicts (2 of 4 stars). 2 submissions from 2 submitters: Likely benign (2). Last evaluated 2026-05-08.

Allele frequency attached by ClinVar (database versions not stated): TOPMed 0.00007.
gnomAD v4.1: 40 of 1,608,716 alleles (0.0025%); highest among the groups gnomAD compares: African/African-American, 0.016%; no homozygotes.

Submissions (2):

Women's Health and Genetics/Laboratory Corporation of America, LabCorp
Classification: Likely benign. Last evaluated: 2026-05-08. Review status: criteria provided, single submitter. Criteria: LabCorp Variant Classification Summary - May 2015. Collection method: clinical testing. Allele origin: germline.
Comment: Variant summary: DVL1 c.1265-16C>T alters a nucleotide located at a position not widely known to affect splicing. Consensus agreement among computation tools predict no significant impact on normal splicing. However, these predictions have yet to be confirmed by functional studies. The variant allele was found at a frequency of 6.5e-05 in 246462 control chromosomes. This frequency is not significantly higher than estimated for disease-causing variants in DVL1, allowing no conclusion about variant significance. To our knowledge, no occurrence of c.1265-16C>T in individuals affected with DVL1-related conditions and no experimental evidence demonstrating its impact on protein function have been reported. ClinVar contains an entry for this variant (Variation ID: 3017035). Based on the evidence outlined above, the variant was classified as likely benign.

Labcorp Genetics (formerly Invitae), Labcorp
Classification: Likely benign. Last evaluated: 2025-12-27. Review status: criteria provided, single submitter. Criteria: Invitae Variant Classification Sherloc (09022015). Collection method: clinical testing. Allele origin: germline.